The following is an entry in ClinVar:

ClinVar aggregate classification (germline): Uncertain significance (1 of 4 stars; one submission).

Conditions:
Mendelian susceptibility to mycobacterial diseases due to complete IL12RB1 deficiency. Also called: IL12RB1 DEFICIENCY; Immunodeficiency 30. Identifiers: Orphanet 319552, MedGen C4013949, MONDO:0013955, OMIM 614891.

Allele frequency attached by ClinVar (database versions not stated): gnomAD exomes below 0.00001; gnomAD 0.00001; TOPMed 0.00002.
gnomAD v4.1: 8 of 1,612,966 alleles (0.0005%); highest among the groups gnomAD compares: African/African-American, 0.0067%; no homozygotes.

Submission:

Labcorp Genetics (formerly Invitae), Labcorp
Classification: Uncertain significance for Mendelian susceptibility to mycobacterial diseases due to complete IL12RB1 deficiency. Last evaluated: 2022-08-23. Review status: criteria provided, single submitter. Criteria: Invitae Variant Classification Sherloc (09022015). Collection method: clinical testing. Allele origin: germline.
Comment: Algorithms developed to predict the effect of sequence changes on RNA splicing suggest that this variant may create or strengthen a splice site. In summary, the available evidence is currently insufficient to determine the role of this variant in disease. Therefore, it has been classified as a Variant of Uncertain Significance. Algorithms developed to predict the effect of missense changes on protein structure and function output the following: SIFT: "Deleterious"; PolyPhen-2: "Benign"; Align-GVGD: "Class C35". The arginine amino acid residue is found in multiple mammalian species, which suggests that this missense change does not adversely affect protein function. This variant has not been reported in the literature in individuals affected with IL12RB1-related conditions. This variant is present in population databases (no rsID available, gnomAD 0.01%). This sequence change replaces glutamine, which is neutral and polar, with arginine, which is basic and polar, at codon 519 of the IL12RB1 protein (p.Gln519Arg).

NM_005535.3(IL12RB1):c.1556A>G (p.Gln519Arg)

Gene: IL12RB1 (interleukin 12 receptor subunit beta 1; minus strand). Cytogenetic location: 19p13.11.
Variant type: single nucleotide variant.
Coding change: c.1556A>G on transcript NM_005535.3 (MANE Select); coding-DNA position 1556, A replaced by G.
Protein change: p.Gln519Arg; replaces glutamine 519 with arginine.
Molecular consequence: missense variant.
Genome position (GRCh38, 1-based): chr19:18,063,938, T>C on the plus strand (A>G on the coding strand, the complement: IL12RB1 is on the minus strand). VCF-style: chr19-18063938-T-C. GRCh37 (hg19) VCF-style: chr19-18174748-T-C.
Other names: c.1556A>G, p.Gln519Arg (NM_001290023.2); c.1676A>G, p.Gln559Arg (NM_001290024.2); short protein forms Q519R, Q559R.
Identifiers: ClinVar variation 2172804 (VCV002172804.3), dbSNP rs993655665, ClinGen allele CA306160919.